The following is an entry in ClinVar:

ClinVar aggregate classification (germline): Uncertain significance. Review status: criteria provided, multiple submitters, no conflicts (2 of 4 stars). 2 submissions from 2 submitters: Uncertain significance (2). Last evaluated 2025-09-26.

Conditions:
Inborn genetic diseases. Identifiers: MedGen C0950123, MeSH D030342.

Submissions (2):

Ambry Genetics
Classification: Uncertain significance for Inborn genetic diseases. Last evaluated: 2025-09-26. Review status: criteria provided, single submitter. Criteria: Ambry Variant Classification Scheme 2023. Collection method: clinical testing. Allele origin: germline.

Labcorp Genetics (formerly Invitae), Labcorp
Classification: Uncertain significance. Last evaluated: 2022-08-16. Review status: criteria provided, single submitter. Criteria: Invitae Variant Classification Sherloc (09022015). Collection method: clinical testing. Allele origin: germline.
Comment: Algorithms developed to predict the effect of missense changes on protein structure and function are either unavailable or do not agree on the potential impact of this missense change (SIFT: "Not Available"; PolyPhen-2: "Benign"; Align-GVGD: "Not Available"). In summary, the available evidence is currently insufficient to determine the role of this variant in disease. Therefore, it has been classified as a Variant of Uncertain Significance. ClinVar contains an entry for this variant (Variation ID: 1018669). This variant has not been reported in the literature in individuals affected with CDH3-related conditions. This variant is not present in population databases (gnomAD no frequency). This sequence change replaces glutamine, which is neutral and polar, with lysine, which is basic and polar, at codon 802 of the CDH3 protein (p.Gln802Lys).

NM_001793.6(CDH3):c.2404C>A (p.Gln802Lys)

Gene: CDH3 (cadherin 3; plus strand). Cytogenetic location: 16q22.1.
Variant type: single nucleotide variant.
Coding change: c.2404C>A on transcript NM_001793.6 (MANE Select); coding-DNA position 2404, C replaced by A.
Protein change: p.Gln802Lys; replaces glutamine 802 with lysine.
Molecular consequence: missense variant. On other transcripts: 3 prime UTR variant (1).
Genome position (GRCh38, 1-based): chr16:68,698,314, C>A. VCF-style: chr16-68698314-C-A. GRCh37 (hg19) VCF-style: chr16-68732217-C-A.
Other names: c.*147C>A (NM_001317195.3); c.2239C>A, p.Gln747Lys (NM_001317196.2); c.2404C>A (NM_001793.4); short protein forms Q747K, Q802K.
Identifiers: ClinVar variation 1018669 (VCV001018669.7), dbSNP rs1961804786, ClinGen allele CA396456869.